The following is an entry in ClinVar:

ClinVar aggregate classification (germline): Likely benign. Review status: criteria provided, single submitter (1 of 4 stars). 2 submissions from 2 submitters: Likely benign (1). 1 of the submissions does not count toward it. Last evaluated 2023-01-01.

Conditions:
PSAP-related disorder. Also called: PSAP-related condition.
Sphingolipid activator protein 1 deficiency. Also called: Saposin B Deficiency; Metachromatic leukodystrophy due to saposin B deficiency; METACHROMATIC LEUKODYSTROPHY DUE TO CEREBROSIDE SULFATASE ACTIVATOR DEFICIENCY. Identifiers: Orphanet 512, MedGen C0268262, MONDO:0009590, OMIM 249900.

Allele frequency attached by ClinVar (database versions not stated): TOPMed 0.00001.
gnomAD v4.1: 1 of 1,613,896 alleles (0.000062%); highest among the groups gnomAD compares: Non-Finnish European, 0.000085%; no homozygotes.

Submissions (2):

Labcorp Genetics (formerly Invitae), Labcorp
Classification: Likely benign for Sphingolipid activator protein 1 deficiency. Last evaluated: 2023-01-01. Review status: criteria provided, single submitter. Criteria: Invitae Variant Classification Sherloc (09022015). Collection method: clinical testing. Allele origin: germline.

PreventionGenetics, part of Exact Sciences
Classification: Likely benign for PSAP-related condition. Last evaluated: 2020-12-21. Review status: no assertion criteria provided. Collection method: clinical testing. Allele origin: germline. Not counted in ClinVar's aggregate classification.
Comment: This variant is classified as likely benign based on ACMG/AMP sequence variant interpretation guidelines (Richards et al. 2015 PMID: 25741868, with internal and published modifications).

NM_002778.4(PSAP):c.87G>C (p.Ser29=)

Gene: PSAP (prosaposin; minus strand). Cytogenetic location: 10q22.1.
Variant type: single nucleotide variant.
Coding change: c.87G>C on transcript NM_002778.4 (MANE Select); coding-DNA position 87, G replaced by C.
Protein change: p.Ser29=; no amino-acid change (serine 29 retained).
Molecular consequence: synonymous variant.
Genome position (GRCh38, 1-based): chr10:71,834,459, C>G on the plus strand (G>C on the coding strand, the complement: PSAP is on the minus strand). VCF-style: chr10-71834459-C-G. GRCh37 (hg19) VCF-style: chr10-73594216-C-G.
Other names: c.87G>C, p.Ser29= (NM_001042465.3, NM_001042466.3).
Identifiers: ClinVar variation 799300 (VCV000799300.10), dbSNP rs764061004, ClinGen allele CA5547908.